The following is an entry in ClinVar:

NC_000003.12:g.(?_10141848)_(10150035_?)dup

Gene: VHL (von Hippel-Lindau tumor suppressor; plus strand). Cytogenetic location: 3p25.3.
Variant type: Duplication.
Identifiers: ClinVar variation 831490 (VCV000831490.1).

ClinVar aggregate classification (germline): Uncertain significance (1 of 4 stars; one submission).

Conditions:
Chuvash polycythemia. Also called: POLYCYTHEMIA, VHL-DEPENDENT. Identifiers: Orphanet 238557, MedGen C1837915, MONDO:0009892, OMIM 263400.
Von Hippel-Lindau syndrome (VHLS). Also called: VHL syndrome; Von Hippel-Lindau; von Hippel–Lindau syndrome. Identifiers: Orphanet 892, MedGen C0019562, MONDO:0008667, OMIM 193300. Disease mechanism: loss of function.

Submission:

Labcorp Genetics (formerly Invitae), Labcorp
Classification: Uncertain significance for Von Hippel-Lindau syndrome; Erythrocytosis, familial, 2. Last evaluated: 2019-12-15. Review status: criteria provided, single submitter. Criteria: Invitae Variant Classification Sherloc (09022015). Collection method: clinical testing. Allele origin: germline.
Comment: This variant results in a copy number gain of the genomic region encompassing the full coding sequence of the VHL gene. The boundaries of this event are unknown as they extend beyond the assayed region for this gene and therefore may encompass additional genes. As the precise location of this event is unknown, it may be in tandem or it may be located elsewhere in the genome. This variant has not been reported in the literature in individuals with VHL-related conditions. In summary, the available evidence is currently insufficient to determine the role of this variant in disease. Therefore, it has been classified as a Variant of Uncertain Significance.